The following is an entry in ClinVar:

NM_005908.4(MANBA):c.987A>G (p.Ile329Met)

Gene: MANBA (mannosidase beta; minus strand). Cytogenetic location: 4q24.
Variant type: single nucleotide variant.
Coding change: c.987A>G on transcript NM_005908.4 (MANE Select); coding-DNA position 987, A replaced by G.
Protein change: p.Ile329Met; replaces isoleucine 329 with methionine.
Molecular consequence: missense variant.
Genome position (GRCh38, 1-based): chr4:102,674,044, T>C on the plus strand (A>G on the coding strand, the complement: MANBA is on the minus strand). VCF-style: chr4-102674044-T-C. GRCh37 (hg19) VCF-style: chr4-103595201-T-C.
Other names: c.987A>G (NM_005908.3); short protein forms I329M.
Identifiers: ClinVar variation 2148513 (VCV002148513.2), dbSNP rs1413690785, ClinGen allele CA357764931.

ClinVar aggregate classification (germline): Uncertain significance. Review status: criteria provided, multiple submitters, no conflicts (2 of 4 stars). 2 submissions from 2 submitters: Uncertain significance (2). Last evaluated 2024-09-08.

Conditions:
Beta-D-mannosidosis (MANSB). Also called: Beta-Mannosidosis; MANNOSIDOSIS, BETA A, LYSOSOMAL; BETA-MANNOSIDASE DEFICIENCY; LYSOSOMAL BETA-MANNOSIDASE DEFICIENCY. Identifiers: Orphanet 118, MedGen C4048196, MONDO:0009562, OMIM 248510.
Inborn genetic diseases. Identifiers: MedGen C0950123, MeSH D030342.

Allele frequency attached by ClinVar (database versions not stated): TOPMed 0.00005; gnomAD exomes 0.00001.
gnomAD v4.1: 15 of 1,601,778 alleles (0.00094%); highest among the groups gnomAD compares: Admixed American, 0.0033%; no homozygotes.

Submissions (2):

Ambry Genetics
Classification: Uncertain significance for Inborn genetic diseases. Last evaluated: 2024-09-08. Review status: criteria provided, single submitter. Criteria: Ambry Variant Classification Scheme 2023. Collection method: clinical testing. Allele origin: germline.

Labcorp Genetics (formerly Invitae), Labcorp
Classification: Uncertain significance for Beta-D-mannosidosis. Last evaluated: 2022-09-12. Review status: criteria provided, single submitter. Criteria: Invitae Variant Classification Sherloc (09022015). Collection method: clinical testing. Allele origin: germline.
Comment: This sequence change replaces isoleucine, which is neutral and non-polar, with methionine, which is neutral and non-polar, at codon 329 of the MANBA protein (p.Ile329Met). This variant is present in population databases (no rsID available, gnomAD 0.006%). This variant has not been reported in the literature in individuals affected with MANBA-related conditions. Advanced modeling of protein sequence and biophysical properties (such as structural, functional, and spatial information, amino acid conservation, physicochemical variation, residue mobility, and thermodynamic stability) performed at Invitae indicates that this missense variant is not expected to disrupt MANBA protein function. In summary, the available evidence is currently insufficient to determine the role of this variant in disease. Therefore, it has been classified as a Variant of Uncertain Significance.